The following is an entry in ClinVar:

ClinVar aggregate classification (germline): Pathogenic. Review status: criteria provided, multiple submitters, no conflicts (2 of 4 stars). 3 submissions from 3 submitters: Pathogenic (3). Last evaluated 2025-11-05.

Conditions:
Hereditary cancer-predisposing syndrome. Also called: Tumor predisposition; Hereditary neoplastic syndrome; Neoplastic Syndromes, Hereditary; Hereditary Cancer Syndrome. Identifiers: Orphanet 140162, MedGen C0027672, MeSH D009386, MONDO:0015356.
Familial cancer of breast. Also called: Hereditary breast cancer; BREAST CANCER, FAMILIAL; hereditary breast carcinoma. Identifiers: Orphanet 227535, MedGen C0346153, MONDO:0016419, OMIM 114480. Disease mechanism: loss of function.

Submissions (3):

Labcorp Genetics (formerly Invitae), Labcorp
Classification: Pathogenic for Familial cancer of breast. Last evaluated: 2025-11-05. Review status: criteria provided, single submitter. Criteria: Invitae Variant Classification Sherloc (09022015). Collection method: clinical testing. Allele origin: germline.
Comment: This sequence change creates a premature translational stop signal (p.Ser415Lysfs*10) in the PALB2 gene. It is expected to result in an absent or disrupted protein product. Loss-of-function variants in PALB2 are known to be pathogenic (PMID: 17200668, 17200671, 17200672, 24136930, 25099575). This variant is not present in population databases (gnomAD no frequency). This variant has not been reported in the literature in individuals affected with PALB2-related conditions. ClinVar contains an entry for this variant (Variation ID: 2674087). For these reasons, this variant has been classified as Pathogenic.

Ambry Genetics
Classification: Pathogenic for Hereditary cancer-predisposing syndrome. Last evaluated: 2025-10-10. Review status: criteria provided, single submitter. Criteria: Ambry Variant Classification Scheme 2023. Collection method: clinical testing. Allele origin: germline.
Comment: The c.1242_1243dupAA pathogenic mutation, located in coding exon 4 of the PALB2 gene, results from a duplication of AA at nucleotide position 1242, causing a translational frameshift with a predicted alternate stop codon (p.S415Kfs*10). This alteration is expected to result in loss of function by premature protein truncation or nonsense-mediated mRNA decay. As such, this alteration is interpreted as a disease-causing mutation.

Myriad Genetics, Inc.
Classification: Pathogenic for Familial cancer of breast. Last evaluated: 2023-09-08. Review status: criteria provided, single submitter. Criteria: Myriad Autosomal Dominant, Autosomal Recessive and X-Linked Classification Criteria (2023). Collection method: clinical testing. Allele origin: unknown.
Comment: This variant is considered pathogenic. This variant creates a frameshift predicted to result in premature protein truncation.

Literature cited by the submitters: PubMed 17200668 (cited by Labcorp Genetics (formerly Invitae), Labcorp); PubMed 17200671 (cited by Labcorp Genetics (formerly Invitae), Labcorp); PubMed 17200672 (cited by Labcorp Genetics (formerly Invitae), Labcorp); PubMed 24136930 (cited by Labcorp Genetics (formerly Invitae), Labcorp); PubMed 25099575 (cited by Labcorp Genetics (formerly Invitae), Labcorp).

NM_024675.4(PALB2):c.1242_1243dup (p.Ser415fs)

Gene: PALB2 (partner and localizer of BRCA2; minus strand). Cytogenetic location: 16p12.2.
Variant type: Duplication.
Coding change: c.1242_1243dup on transcript NM_024675.4 (MANE Select); coding-DNA positions 1242 to 1243, 2 bases duplicated (AA; older notation c.1242_1243dupAA).
Protein change: p.Ser415fs; shifts the reading frame from serine 415.
Molecular consequence: frameshift variant. On other transcripts: intron variant (3).
Genome position (GRCh38, 1-based): chr16:23,635,303-23,635,304, TT duplicated on the plus strand (AA on the coding strand, the reverse complement: PALB2 is on the minus strand). VCF-style (leftmost placement, unchanged base first): chr16-23635302-C-CTT. GRCh37 (hg19) VCF-style: chr16-23646623-C-CTT.
Other names: c.1242_1243dupAA (NM_024675.3); c.1182_1183dup, p.Ser395fs (NM_001407296.1); c.1242_1243dup, p.Ser415fs (NM_001407297.1, NM_001407298.1, NM_001407299.1 and 3 more transcripts); c.357_358dup, p.Ser120fs (NM_001407304.1, NM_001407305.1, NM_001407306.1 and 5 more transcripts); c.48+5806_48+5807dup (NM_001407314.1); c.-104-4835_-104-4834dup (NM_001407313.1, NM_001407312.1); short protein forms S120fs, S395fs, S415fs.
Identifiers: ClinVar variation 2674087 (VCV002674087.3), dbSNP rs2506484093, ClinGen allele CA2695197493.